The following is an entry in ClinVar:

NM_153460.4(IL17RC):c.1885T>C (p.Tyr629His)

Gene: IL17RC (interleukin 17 receptor C; plus strand). Cytogenetic location: 3p25.3.
Variant type: single nucleotide variant.
Coding change: c.1885T>C on transcript NM_153460.4 (MANE Select); coding-DNA position 1885, T replaced by C.
Protein change: p.Tyr629His; replaces tyrosine 629 with histidine.
Molecular consequence: missense variant. On other transcripts: non-coding transcript variant (1).
Genome position (GRCh38, 1-based): chr3:9,933,315, T>C. VCF-style: chr3-9933315-T-C. GRCh37 (hg19) VCF-style: chr3-9974999-T-C.
Other names: c.1846T>C, p.Tyr616His (NM_001203263.2); c.1795T>C, p.Tyr599His (NM_001203264.2); c.1789T>C, p.Tyr597His (NM_001203265.2); c.1807T>C, p.Tyr603His (NM_001367278.1); c.1726T>C, p.Tyr576His (NM_001367279.1); c.1801T>C, p.Tyr601His (NM_001367280.1); c.1750T>C, p.Tyr584His (NM_001410711.1); c.1840T>C, p.Tyr614His (NM_032732.6); and 1 more; short protein forms Y597H, Y601H, Y599H, Y700H, Y576H, Y584H, Y629H, Y603H.
Identifiers: ClinVar variation 3645592 (VCV003645592.2).

ClinVar aggregate classification (germline): Uncertain significance (1 of 4 stars; one submission).

Conditions:
Candidiasis, familial, 9 (CANDF9). Identifiers: Orphanet 1334, MedGen C4225324, MONDO:0014642, OMIM 616445.

Submission:

Labcorp Genetics (formerly Invitae), Labcorp
Classification: Uncertain significance for Candidiasis, familial, 9. Last evaluated: 2024-03-12. Review status: criteria provided, single submitter. Criteria: Invitae Variant Classification Sherloc (09022015). Collection method: clinical testing. Allele origin: germline.
Comment: This sequence change replaces tyrosine, which is neutral and polar, with histidine, which is basic and polar, at codon 700 of the IL17RC protein (p.Tyr700His). This variant is not present in population databases (gnomAD no frequency). This variant has not been reported in the literature in individuals affected with IL17RC-related conditions. An algorithm developed to predict the effect of missense changes on protein structure and function (PolyPhen-2) suggests that this variant is likely to be disruptive. In summary, the available evidence is currently insufficient to determine the role of this variant in disease. Therefore, it has been classified as a Variant of Uncertain Significance.